The following is an entry in ClinVar:

ClinVar aggregate classification (germline): Uncertain significance. Review status: criteria provided, multiple submitters, no conflicts (2 of 4 stars). 2 submissions from 2 submitters: Uncertain significance (2). Last evaluated 2024-12-02.

Conditions:
RASopathy. Also called: Noonan spectrum disorder; rasopathies. Identifiers: Orphanet 536391, MedGen C5555857, MONDO:0021060.

Allele frequency attached by ClinVar (database versions not stated): gnomAD exomes below 0.00001.
gnomAD v4.1: 2 of 1,610,208 alleles (0.00012%); highest among the groups gnomAD compares: South Asian, 0.0022%; no homozygotes.

Submissions (2):

GeneDx
Classification: Uncertain significance. Last evaluated: 2024-12-02. Review status: criteria provided, single submitter. Criteria: GeneDx Variant Classification Process June 2021. Collection method: clinical testing. Allele origin: germline. Affected: yes.
Comment: Has not been previously published as pathogenic or benign to our knowledge; Not observed at significant frequency in large population cohorts (gnomAD); Missense variants in this gene are a common cause of disease and they are underrepresented in the general population; In silico analysis indicates that this missense variant does not alter protein structure/function; This variant is associated with the following publications: (PMID: 29493581)

Labcorp Genetics (formerly Invitae), Labcorp
Classification: Uncertain significance for RASopathy. Last evaluated: 2023-02-03. Review status: criteria provided, single submitter. Criteria: Invitae Variant Classification Sherloc (09022015). Collection method: clinical testing. Allele origin: germline.
Comment: This sequence change replaces glutamic acid, which is acidic and polar, with alanine, which is neutral and non-polar, at codon 571 of the PTPN11 protein (p.Glu571Ala). This variant is not present in population databases (gnomAD no frequency). This variant has not been reported in the literature in individuals affected with PTPN11-related conditions. Algorithms developed to predict the effect of missense changes on protein structure and function (SIFT, PolyPhen-2, Align-GVGD) all suggest that this variant is likely to be tolerated. In summary, the available evidence is currently insufficient to determine the role of this variant in disease. Therefore, it has been classified as a Variant of Uncertain Significance.

NM_002834.5(PTPN11):c.1712A>C (p.Glu571Ala)

Gene: PTPN11 (protein tyrosine phosphatase non-receptor type 11; plus strand). Cytogenetic location: 12q24.13.
Variant type: single nucleotide variant.
Coding change: c.1712A>C on transcript NM_002834.5 (MANE Select); coding-DNA position 1712, A replaced by C.
Protein change: p.Glu571Ala; replaces glutamic acid 571 with alanine.
Molecular consequence: missense variant.
Genome position (GRCh38, 1-based): chr12:112,502,256, A>C. VCF-style: chr12-112502256-A-C. GRCh37 (hg19) VCF-style: chr12-112940060-A-C.
Other names: c.1724A>C, p.Glu575Ala (NM_001330437.2); c.1709A>C, p.Glu570Ala (NM_001374625.1); short protein forms E571A, E575A, E570A.
Identifiers: ClinVar variation 2834051 (VCV002834051.4), dbSNP rs1592862763, ClinGen allele CA386783710.
Genomic context (GRCh38, chr12:112,502,256, plus strand): 5'-ACCAGACGAGTGGAGATCAGAGCCCTCTCCCGCCTTGTACTCCAACGCCACCCTGTGCAG[A>C]GTAAGTAGTGCTGAAGGAAATTCTTTTTACCTGGTCATGGTGGTTTAAAAAGGTTTAAAA-3'
Protein context (NP_002825.3, residues 561-581): PPCTPTPPCA[Glu571Ala]MREDSARVYE